The following is an entry in ClinVar:

ClinVar aggregate classification (germline): Benign/Likely benign. Review status: criteria provided, multiple submitters, no conflicts (2 of 4 stars). 9 submissions from 9 submitters: Benign (2); Likely benign (7). Last evaluated 2026-04-14.

Conditions:
MSH6-related disorder. Also called: MSH6-related condition; MSH6-Related disorders.
Hereditary nonpolyposis colorectal neoplasms. Identifiers: MedGen C0009405, MeSH D003123.
Hereditary cancer-predisposing syndrome. Also called: Tumor predisposition; Hereditary neoplastic syndrome; Hereditary Cancer Syndrome; Neoplastic Syndromes, Hereditary. Identifiers: Orphanet 140162, MedGen C0027672, MeSH D009386, MONDO:0015356.
Lynch syndrome 5 (LYNCH5). Also called: Hereditary non-polyposis colorectal cancer, type 5; Colorectal cancer, hereditary nonpolyposis, type 5. Identifiers: Orphanet 144, MedGen C1833477, MONDO:0013710, OMIM 614350. Disease mechanism: loss of function.

Allele frequency attached by ClinVar (database versions not stated): TOPMed 0.00013.
gnomAD v4.1: 106 of 1,614,086 alleles (0.0066%); highest among the groups gnomAD compares: Admixed American, 0.052%; no homozygotes.

Submissions (9):

PreventionGenetics, part of Exact Sciences
Classification: Likely benign for MSH6-related condition. Last evaluated: 2026-04-14. Review status: criteria provided, single submitter. Criteria: ACMG Guidelines, 2015. Collection method: clinical testing. Allele origin: germline.
Comment: This variant is classified as likely benign based on ACMG/AMP sequence variant interpretation guidelines (Richards et al. 2015 PMID: 25741868, with internal and published modifications).

Labcorp Genetics (formerly Invitae), Labcorp
Classification: Likely benign for Hereditary nonpolyposis colorectal neoplasms. Last evaluated: 2026-01-27. Review status: criteria provided, single submitter. Criteria: Invitae Variant Classification Sherloc (09022015). Collection method: clinical testing. Allele origin: germline.

Myriad Genetics, Inc.
Classification: Benign for Lynch syndrome 5. Last evaluated: 2024-12-18. Review status: criteria provided, single submitter. Criteria: Myriad Autosomal Dominant, Autosomal Recessive and X-Linked Classification Criteria (2023). Collection method: clinical testing. Allele origin: unknown.
Comment: This variant is considered benign. This variant is a silent/synonymous amino acid change and it is not expected to impact splicing.

CeGaT Center for Human Genetics Tuebingen
Classification: Likely benign. Last evaluated: 2024-10-01. Review status: criteria provided, single submitter. Criteria: CeGaT Center For Human Genetics Tuebingen Variant Classification Criteria Version 2. Collection method: clinical testing. Allele origin: germline. Affected: yes. Observed: 1 variant allele.
Comment: MSH6: BP4, BP7

Quest Diagnostics Nichols Institute San Juan Capistrano
Classification: Likely benign. Last evaluated: 2021-07-23. Review status: criteria provided, single submitter. Criteria: Quest Diagnostics criteria. Collection method: clinical testing. Allele origin: unknown.

Women's Health and Genetics/Laboratory Corporation of America, LabCorp
Classification: Likely benign. Last evaluated: 2019-08-10. Review status: criteria provided, single submitter. Criteria: LabCorp Variant Classification Summary - May 2015. Collection method: clinical testing. Allele origin: germline.

Color Diagnostics, LLC DBA Color Health
Classification: Likely benign for Hereditary cancer-predisposing syndrome. Last evaluated: 2017-03-08. Review status: criteria provided, single submitter. Criteria: ACMG Guidelines, 2015. Collection method: clinical testing. Allele origin: germline.

Ambry Genetics
Classification: Likely benign for Hereditary cancer-predisposing syndrome. Last evaluated: 2015-11-09. Review status: criteria provided, single submitter. Criteria: Ambry Variant Classification Scheme 2023. Collection method: clinical testing. Allele origin: germline.

GeneDx
Classification: Benign. Last evaluated: 2015-08-20. Review status: criteria provided, single submitter. Criteria: GeneDx Variant Classification Process June 2021. Collection method: clinical testing. Allele origin: germline. Affected: yes.

Literature cited by the submitters: PubMed 26898890 (cited by Quest Diagnostics Nichols Institute San Juan Capistrano).

NM_000179.3(MSH6):c.366G>A (p.Glu122=)

Gene: MSH6 (mutS homolog 6; plus strand). Cytogenetic location: 2p16.3.
Variant type: single nucleotide variant.
Coding change: c.366G>A on transcript NM_000179.3 (MANE Select); coding-DNA position 366, G replaced by A.
Protein change: p.Glu122=; no amino-acid change (glutamic acid 122 retained).
Molecular consequence: synonymous variant. On other transcripts: 5 prime UTR variant (2), intron variant (1).
Genome position (GRCh38, 1-based): chr2:47,791,032, G>A. VCF-style: chr2-47791032-G-A. GRCh37 (hg19) VCF-style: chr2-48018171-G-A.
Other names: c.-371G>A (NM_001281493.2); c.-537G>A (NM_001281494.2); c.237+7562G>A (NM_001281492.2).
Identifiers: ClinVar variation 416180 (VCV000416180.37), dbSNP rs774303198, ClinGen allele CA071818.